The following is an entry in ClinVar:

ClinVar aggregate classification (germline): Uncertain significance. Review status: criteria provided, multiple submitters, no conflicts (2 of 4 stars). 2 submissions from 2 submitters: Uncertain significance (2). Last evaluated 2026-01-06.

Conditions:
Inborn genetic diseases. Identifiers: MedGen C0950123, MeSH D030342.

Allele frequency attached by ClinVar (database versions not stated): gnomAD 0.00001; gnomAD exomes 0.00001; TOPMed 0.00003.

Submissions (2):

Labcorp Genetics (formerly Invitae), Labcorp
Classification: Uncertain significance. Last evaluated: 2026-01-06. Review status: criteria provided, single submitter. Criteria: Invitae Variant Classification Sherloc (09022015). Collection method: clinical testing. Allele origin: germline.
Comment: This sequence change replaces glutamic acid, which is acidic and polar, with lysine, which is basic and polar, at codon 313 of the TEAD1 protein (p.Glu313Lys). This variant is present in population databases (no rsID available, gnomAD 0.02%). This variant has not been reported in the literature in individuals affected with TEAD1-related conditions. ClinVar contains an entry for this variant (Variation ID: 1943165). Invitae Evidence Modeling of protein sequence and biophysical properties (such as structural, functional, and spatial information, amino acid conservation, physicochemical variation, residue mobility, and thermodynamic stability) has been performed for this missense variant. However, the output from this modeling did not meet the statistical confidence thresholds required to predict the impact of this variant on TEAD1 protein function. In summary, the available evidence is currently insufficient to determine the role of this variant in disease. Therefore, it has been classified as a Variant of Uncertain Significance.

Ambry Genetics
Classification: Uncertain significance for Inborn genetic diseases. Last evaluated: 2024-10-01. Review status: criteria provided, single submitter. Criteria: Ambry Variant Classification Scheme 2023. Collection method: clinical testing. Allele origin: germline.

NM_021961.6(TEAD1):c.937G>A (p.Glu313Lys)

Gene: TEAD1 (TEA domain transcription factor 1; plus strand). Cytogenetic location: 11p15.3.
Variant type: single nucleotide variant.
Coding change: c.937G>A on transcript NM_021961.6 (MANE Select); coding-DNA position 937, G replaced by A.
Protein change: p.Glu313Lys; replaces glutamic acid 313 with lysine.
Molecular consequence: missense variant.
Genome position (GRCh38, 1-based): chr11:12,924,975, G>A. VCF-style: chr11-12924975-G-A. GRCh37 (hg19) VCF-style: chr11-12946522-G-A.
Other names: c.937G>A (NM_021961.5); short protein forms E313K.
Identifiers: ClinVar variation 1943165 (VCV001943165.6), dbSNP rs1040999399, ClinGen allele CA217806684.